The following continues an entry in ClinVar:

NM_003000.3(SDHB):c.487T>C (p.Ser163Pro)

Gene: SDHB. ClinVar aggregate classification (germline): Conflicting classifications of pathogenicity. Uncertain significance (3); Benign (19); Likely benign (2).

Submissions 22 to 33 of 33:

Genomic Diagnostic Laboratory, Division of Genomic Diagnostics, Children's Hospital of Philadelphia
Classification: Benign for Paragangliomas 4. Last evaluated: 2015-02-13. Review status: criteria provided, single submitter. Criteria: DGD Variant Analysis Guidelines. Collection method: clinical testing. Allele origin: unknown.

Ambry Genetics
Classification: Benign for Hereditary cancer-predisposing syndrome. Last evaluated: 2014-12-23. Review status: criteria provided, single submitter. Criteria: Ambry Variant Classification Scheme 2023. Collection method: clinical testing. Allele origin: germline.

PreventionGenetics, part of Exact Sciences
Classification: Benign. Review status: criteria provided, single submitter. Criteria: ACMG Guidelines, 2015. Collection method: clinical testing. Allele origin: germline.

Counsyl
Classification: Benign for Pheochromocytoma/paraganglioma syndrome 4. Last evaluated: 2016-03-23. Review status: no assertion criteria provided. Collection method: clinical testing. Allele origin: unknown. Not counted in ClinVar's aggregate classification.

ITMI
No classification provided. Condition: AllHighlyPenetrant. Last evaluated: 2013-09-19. Review status: no classification provided. Collection method: reference population. Allele origin: germline. Not counted in ClinVar's aggregate classification.
Comment: Please see associated publication for description of ethnicities

Biesecker Lab/Clinical Genomics Section, National Institutes of Health
Classification: Benign. Last evaluated: 2012-07-13. Review status: no assertion criteria provided. Collection method: research. Allele origin: germline. Affected: no. Observed: 7 variant alleles. Study: ClinSeq. Not counted in ClinVar's aggregate classification.
ClinVar note: Converted during submission from no known pathogenicity to Benign.

OMIM
Classification: Uncertain significance for RECLASSIFIED - VARIANT OF UNKNOWN SIGNIFICANCE. Last evaluated: 2008-08-01. Review status: no assertion criteria provided. Collection method: literature only. Allele origin: germline. Not counted in ClinVar's aggregate classification.

Center of Medical Genetics and Primary Health Care
Classification: Benign for Breast Cancer. Review status: no assertion criteria provided. Collection method: clinical testing. Allele origin: germline. Affected: yes. Not counted in ClinVar's aggregate classification.

Clinical Genetics, Academic Medical Center
Classification: Benign. Review status: no assertion criteria provided. Collection method: clinical testing. Allele origin: germline. Affected: yes. Study: VKGL Data-share Consensus. Not counted in ClinVar's aggregate classification.

Diagnostic Laboratory, Department of Genetics, University Medical Center Groningen
Classification: Benign. Review status: no assertion criteria provided. Collection method: clinical testing. Allele origin: germline. Affected: yes. Study: VKGL Data-share Consensus. Not counted in ClinVar's aggregate classification.

Genome Diagnostics Laboratory, Amsterdam University Medical Center
Classification: Benign. Review status: no assertion criteria provided. Collection method: clinical testing. Allele origin: germline. Affected: yes. Study: VKGL Data-share Consensus. Not counted in ClinVar's aggregate classification.

Joint Genome Diagnostic Labs from Nijmegen and Maastricht, Radboudumc and MUMC+
Classification: Benign. Review status: no assertion criteria provided. Collection method: clinical testing. Allele origin: germline. Affected: yes. Study: VKGL Data-share Consensus. Not counted in ClinVar's aggregate classification.

Literature cited by the submitters: PubMed 18419787 (cited by Athena Diagnostics); PubMed 22938532 (cited by Athena Diagnostics); PubMed 22584711 (cited by Athena Diagnostics); PubMed 18502330 (cited by Athena Diagnostics); PubMed 19153209 (cited by Athena Diagnostics); PubMed 20981092 (cited by Athena Diagnostics); PubMed 24728327 (cited by 3 submitters); PubMed 25333069 (cited by Athena Diagnostics and Eurofins Ntd Llc (ga)); PubMed 25694510 (cited by Athena Diagnostics and Eurofins Ntd Llc (ga)); PubMed 21979946 (cited by 3 submitters); PubMed 23666964 (cited by Athena Diagnostics and Counsyl); PubMed 19522823 (cited by Athena Diagnostics); PubMed 24735130 (cited by Athena Diagnostics); PubMed 19768395 (cited by Athena Diagnostics); PubMed 27279923 (cited by Athena Diagnostics); PubMed 26071763 (cited by Athena Diagnostics); PubMed 25695889 (cited by Athena Diagnostics); PubMed 25376524 (cited by Athena Diagnostics); PubMed 19215943 (cited by Athena Diagnostics); PubMed 26182300 (cited by Athena Diagnostics); PubMed 14985401 (cited by 3 submitters); PubMed 16322339 (cited by 3 submitters); PubMed 16912137 (cited by 3 submitters); PubMed 17102082 (cited by Athena Diagnostics and Women's Health and Genetics/Laboratory Corporation of America, LabCorp); PubMed 17102083 (cited by Athena Diagnostics and Women's Health and Genetics/Laboratory Corporation of America, LabCorp); PubMed 17298551 (cited by Athena Diagnostics and Women's Health and Genetics/Laboratory Corporation of America, LabCorp); PubMed 17639058 (cited by Athena Diagnostics and Women's Health and Genetics/Laboratory Corporation of America, LabCorp); PubMed 18551016 (cited by Athena Diagnostics and Women's Health and Genetics/Laboratory Corporation of America, LabCorp); PubMed 18678321 (cited by 4 submitters); PubMed 19399650 (cited by Athena Diagnostics and Women's Health and Genetics/Laboratory Corporation of America, LabCorp); PubMed 19802898 (cited by Athena Diagnostics and Women's Health and Genetics/Laboratory Corporation of America, LabCorp); PubMed 32688340 (cited by Athena Diagnostics); PubMed 17636058 (cited by Department of Pathology and Laboratory Medicine, Sinai Health System); PubMed 26092435 (cited by Women's Health and Genetics/Laboratory Corporation of America, LabCorp and Eurofins Ntd Llc (ga)); PubMed 22995991 (cited by Eurofins Ntd Llc (ga)); Hamosh, A. Personal Communication. 2018. Baltimore, Md. (cited by OMIM); PubMed 19368708 (cited by OMIM).